The following is an entry in ClinVar:

NM_013275.6(ANKRD11):c.537G>T (p.Gly179=)

Gene: ANKRD11 (ankyrin repeat domain 11; minus strand). Cytogenetic location: 16q24.3.
Variant type: single nucleotide variant.
Coding change: c.537G>T on transcript NM_013275.6 (MANE Select); coding-DNA position 537, G replaced by T.
Protein change: p.Gly179=; no amino-acid change (glycine 179 retained).
Molecular consequence: synonymous variant. On other transcripts: non-coding transcript variant (1).
Genome position (GRCh38, 1-based): chr16:89,290,689, C>A on the plus strand (G>T on the coding strand, the complement: ANKRD11 is on the minus strand). VCF-style: chr16-89290689-C-A. GRCh37 (hg19) VCF-style: chr16-89357097-C-A.
Other names: c.537G>T, p.Gly179= (NM_001256182.2, NM_001256183.2).
Identifiers: ClinVar variation 1747165 (VCV001747165.23), dbSNP rs1016005906, ClinGen allele CA286527057.

ClinVar aggregate classification (germline): Likely benign. Review status: criteria provided, multiple submitters, no conflicts (2 of 4 stars). 2 submissions from 2 submitters: Likely benign (2). Last evaluated 2024-03-01.

Conditions:
Inborn genetic diseases. Identifiers: MedGen C0950123, MeSH D030342.

Allele frequency attached by ClinVar (database versions not stated): gnomAD exomes below 0.00001; gnomAD 0.00001; TOPMed 0.00001.
gnomAD v4.1: 10 of 1,613,940 alleles (0.00062%); highest among the groups gnomAD compares: Non-Finnish European, 0.00068%; no homozygotes.

Submissions (2):

CeGaT Center for Human Genetics Tuebingen
Classification: Likely benign. Last evaluated: 2024-03-01. Review status: criteria provided, single submitter. Criteria: CeGaT Center For Human Genetics Tuebingen Variant Classification Criteria Version 2. Collection method: clinical testing. Allele origin: germline. Affected: yes. Observed: 1 variant allele.
Comment: ANKRD11: BP4, BP7

Ambry Genetics
Classification: Likely benign for Inborn genetic diseases. Last evaluated: 2017-06-12. Review status: criteria provided, single submitter. Criteria: Ambry Variant Classification Scheme 2023. Collection method: clinical testing. Allele origin: germline.